The following is an entry in ClinVar:

ClinVar aggregate classification (germline): Uncertain significance. Review status: criteria provided, multiple submitters, no conflicts (2 of 4 stars). 2 submissions from 2 submitters: Uncertain significance (2). Last evaluated 2025-11-20.

Conditions:
Primary ciliary dyskinesia 28. Also called: CILIARY DYSKINESIA, PRIMARY, 28, WITH OR WITHOUT SITUS INVERSUS. Identifiers: Orphanet 244, MedGen C3809706, MONDO:0014216, OMIM 615505.
Primary ciliary dyskinesia. Also called: Ciliary dyskinesia. Identifiers: Orphanet 244, MedGen C0008780, MONDO:0016575, HP:0012265.

Submissions (2):

Ambry Genetics
Classification: Uncertain significance for Primary ciliary dyskinesia. Last evaluated: 2025-11-20. Review status: criteria provided, single submitter. Criteria: Ambry Variant Classification Scheme 2023. Collection method: clinical testing. Allele origin: germline.

Labcorp Genetics (formerly Invitae), Labcorp
Classification: Uncertain significance for Ciliary dyskinesia, primary, 28. Last evaluated: 2019-02-18. Review status: criteria provided, single submitter. Criteria: Invitae Variant Classification Sherloc (09022015). Collection method: clinical testing. Allele origin: germline.
Comment: This sequence change replaces leucine with phenylalanine at codon 816 of the SPAG1 protein (p.Leu816Phe). The leucine residue is weakly conserved and there is a small physicochemical difference between leucine and phenylalanine. This variant is not present in population databases (ExAC no frequency). This variant has not been reported in the literature in individuals with SPAG1-related conditions. Algorithms developed to predict the effect of missense changes on protein structure and function are either unavailable or do not agree on the potential impact of this missense change (SIFT: "Deleterious"; PolyPhen-2: "Benign"; Align-GVGD: "Class C0"). In summary, the available evidence is currently insufficient to determine the role of this variant in disease. Therefore, it has been classified as a Variant of Uncertain Significance.

NM_003114.5(SPAG1):c.2446C>T (p.Leu816Phe)

Gene: SPAG1 (sperm associated antigen 1; plus strand). Cytogenetic location: 8q22.2.
Variant type: single nucleotide variant.
Coding change: c.2446C>T on transcript NM_003114.5 (MANE Select); coding-DNA position 2446, C replaced by T.
Protein change: p.Leu816Phe; replaces leucine 816 with phenylalanine.
Molecular consequence: missense variant.
Genome position (GRCh38, 1-based): chr8:100,240,568, C>T. VCF-style: chr8-100240568-C-T. GRCh37 (hg19) VCF-style: chr8-101252796-C-T.
Other names: c.2446C>T, p.Leu816Phe (NM_001374321.1, NM_172218.3); short protein forms L816F.
Identifiers: ClinVar variation 849295 (VCV000849295.1), dbSNP rs1221177130, ClinGen allele CA371818434.